The following is an entry in ClinVar:

ClinVar aggregate classification (germline): Uncertain significance (1 of 4 stars; one submission).

Conditions:
Coloboma, ocular, with or without hearing impairment, cleft lip/palate, and/or impaired intellectual development. Also called: Uveal coloboma-cleft lip and palate-intellectual disability. Identifiers: Orphanet 1473, MedGen C3805432, MONDO:0007355, OMIM 120433.

gnomAD v4.1: 1 of 1,599,450 alleles (0.000063%); highest among the groups gnomAD compares: Non-Finnish European, 0.000085%; no homozygotes.

Submission:

Centre for Mendelian Genomics, University Medical Centre Ljubljana
Classification: Uncertain significance for Coloboma, ocular, with or without hearing impairment, cleft lip/palate, and/or impaired intellectual development. Last evaluated: 2018-10-29. Review status: criteria provided, single submitter. Criteria: ACMG Guidelines, 2015. Collection method: clinical testing. Allele origin: unknown. Affected: yes.
Comment: This variant was classified as: Uncertain significance. The available evidence on this variant's pathogenicity is insufficient or conflicting. The following ACMG criteria were applied in classifying this variant: PM2,BP1.

NM_001130145.3(YAP1):c.163G>T (p.Val55Leu)

Gene: YAP1 (Yes1 associated transcriptional regulator; plus strand). Cytogenetic location: 11q22.1.
Variant type: single nucleotide variant.
Coding change: c.163G>T on transcript NM_001130145.3 (MANE Select); coding-DNA position 163, G replaced by T.
Protein change: p.Val55Leu; replaces valine 55 with leucine.
Molecular consequence: missense variant.
Genome position (GRCh38, 1-based): chr11:102,111,011, G>T. VCF-style: chr11-102111011-G-T. GRCh37 (hg19) VCF-style: chr11-101981742-G-T.
Other names: c.163G>T, p.Val55Leu (NM_001195044.2, NM_001282097.2, NM_001282098.2 and 4 more transcripts); short protein forms V55L.
Identifiers: ClinVar variation 931285 (VCV000931285.3), dbSNP rs1190867473, ClinGen allele CA382490752.